The following is an entry in ClinVar:

NC_012920.1(MT-TK):m.8296A>G

Gene: MT-TK (mitochondrially encoded tRNA lysine; plus strand).
Variant type: single nucleotide variant.
Genome position: chrM-8296-A-G.
Other names: MT-TK m.8296A>G; 8296A-G.
Identifiers: ClinVar variation 9584 (VCV000009584.3), dbSNP rs118192102, ClinGen allele CA120557.

ClinVar aggregate classification (germline): Uncertain significance. Review status: reviewed by expert panel (3 of 4 stars). 4 submissions from 4 submitters: Uncertain significance (1). 3 of the submissions do not count toward it. Last evaluated 2025-02-04.

Conditions:
Mitochondrial disease. Also called: Mitochondrial disorder; Mitochondrial disorders. Identifiers: Orphanet 68380, MedGen C0751651, MeSH D028361, MONDO:0044970.
Diabetes-deafness syndrome maternally transmitted (MIDD). Also called: Maternally-inherited diabetes and deafness; NIDDM WITH DEAFNESS; NONINSULIN-DEPENDENT DIABETES MELLITUS WITH DEAFNESS; Ballinger Wallace syndrome; Diabetes mellitus type II with deafness. Identifiers: Orphanet 225, MedGen C0342289, MONDO:0010785, OMIM 520000.
MELAS syndrome (MELAS). Also called: Juvenile myopathy, encephalopathy, lactic acidosis, stroke. Identifiers: Orphanet 550, MedGen C0162671, MONDO:0010789, OMIM 540000.

Submissions (4):

ClinGen Mitochondrial Disease Nuclear and Mitochondrial  Variant Curation Expert Panel, ClinGen
Classification: Uncertain significance for Mitochondrial disease. Last evaluated: 2025-02-04. Review status: reviewed by expert panel. Criteria: clingen mito disease acmg specifications v1-1. Collection method: curation. Allele origin: germline. Inheritance: Mitochondrial inheritance.
Comment: The m.8296A>G variant in MT-TK has been reported in 18 unrelated individuals with primary mitochondrial disease with varying phenotypes (diabetes, hypertrophic cardiomyopathy, optic atrophy, sensorineural hearing loss, and generalized epilepsy; 10 subjects reported in PMIDs: 9802769, 9571188, 10525672; additional subjects reported in PMIDs: 10737988, 12504210, 18651333, 20143911, 37573175), however analyses for other genetic etiologies were limited in these affected individuals precluding their inclusion in this curation. The variant was present in some affected individuals at homoplasmy and in others at heteroplasmy. There are no reported de novo occurrences to our knowledge. This variant is present in population databases and is seen in individuals from several different haplogroups (MITOMAP: 0.061%, 38/61,883; gnomAD v3.1.2: 0.044%, 25/56,432 homoplasmic occurrences, one heteroplasmic occurrence; Helix: 0.048%, 94/195,893 homoplasmic occurrences). The computational predictor MitoTIP suggests this variant is pathogenic (72.3 percentile) and HmtVAR predicts it to be pathogenic score of 0.85 (PP3). Single fiber testing showed similar levels of the variant in COX-negative ragged red fibers and normal fibers (PMID: 9932960), and cybrid studies showed no significant differences from wild type (PMID: 11857739). In summary, this variant meets criteria to be classified as uncertain significance for primary mitochondrial disease inherited in a mitochondrial manner. This classification was approved by the NICHD/NINDS U24 ClinGen Mitochondrial Disease Variant Curation Expert Panel on February 4, 2025. Mitochondrial DNA-specific ACMG/AMP criteria applied (PMID: 32906214): PP3.

Wong Mito Lab, Molecular and Human Genetics, Baylor College of Medicine
Classification: Benign for MELAS syndrome. Last evaluated: 2019-07-12. Review status: criteria provided, single submitter. Criteria: Modified ACMG Guidelines (Unpublished). Collection method: clinical testing. Allele origin: germline. Not counted in ClinVar's aggregate classification.
Comment: The NC_012920.1:m.8296A>G variant in MT-TK gene is interpreted to be a Benign variant based on the modified ACMG guidelines (unpublished). This variant meets the following evidence codes reported in the guidelines: BS1, BS2

OMIM
Classification: Pathogenic for DIABETES AND DEAFNESS, MATERNALLY INHERITED. Last evaluated: 1998-04-17. Review status: no assertion criteria provided. Collection method: literature only. Allele origin: germline. Not counted in ClinVar's aggregate classification.

GeneReviews
No classification provided. Condition: MELAS syndrome. Review status: no classification provided. Collection method: literature only. Allele origin: maternal. Not counted in ClinVar's aggregate classification.

Literature cited by the submitters: PubMed 31965079 (cited by Wong Mito Lab, Molecular and Human Genetics, Baylor College of Medicine); PubMed 9571188 (cited by Wong Mito Lab, Molecular and Human Genetics, Baylor College of Medicine and OMIM); PubMed 12504210 (cited by GeneReviews).